The following is an entry in ClinVar:

ClinVar aggregate classification (germline): Uncertain significance (1 of 4 stars; one submission).

gnomAD v4.1: 176 of 1,613,860 alleles (0.011%); highest among the groups gnomAD compares: Middle Eastern, 0.016%; no homozygotes.

Submission:

Labcorp Genetics (formerly Invitae), Labcorp
Classification: Uncertain significance. Last evaluated: 2025-10-15. Review status: criteria provided, single submitter. Criteria: Invitae Variant Classification Sherloc (09022015). Collection method: clinical testing. Allele origin: germline.
Comment: This sequence change replaces serine, which is neutral and polar, with tyrosine, which is neutral and polar, at codon 406 of the SLC41A1 protein (p.Ser406Tyr). This variant is present in population databases (rs757760386, gnomAD 0.01%). This variant has not been reported in the literature in individuals affected with SLC41A1-related conditions. ClinVar contains an entry for this variant (Variation ID: 3712090). An algorithm developed to predict the effect of missense changes on protein structure and function (PolyPhen-2) suggests that this variant is likely to be disruptive. In summary, the available evidence is currently insufficient to determine the role of this variant in disease. Therefore, it has been classified as a Variant of Uncertain Significance.

NM_173854.6(SLC41A1):c.1217C>A (p.Ser406Tyr)

Gene: SLC41A1 (solute carrier family 41 member 1; minus strand). Cytogenetic location: 1q32.1.
Variant type: single nucleotide variant.
Coding change: c.1217C>A on transcript NM_173854.6 (MANE Select); coding-DNA position 1217, C replaced by A.
Protein change: p.Ser406Tyr; replaces serine 406 with tyrosine.
Molecular consequence: missense variant.
Genome position (GRCh38, 1-based): chr1:205,795,009, G>T on the plus strand (C>A on the coding strand, the complement: SLC41A1 is on the minus strand). VCF-style: chr1-205795009-G-T. GRCh37 (hg19) VCF-style: chr1-205764137-G-T.
Other names: short protein forms S406Y.
Identifiers: ClinVar variation 3712090 (VCV003712090.2).